The following is an entry in ClinVar:

NM_017636.4(TRPM4):c.2827G>A (p.Ala943Thr)

Gene: TRPM4 (transient receptor potential cation channel subfamily M member 4; plus strand). Cytogenetic location: 19q13.33.
Variant type: single nucleotide variant.
Coding change: c.2827G>A on transcript NM_017636.4 (MANE Select); coding-DNA position 2827, G replaced by A.
Protein change: p.Ala943Thr; replaces alanine 943 with threonine.
Molecular consequence: missense variant.
Genome position (GRCh38, 1-based): chr19:49,200,659, G>A. VCF-style: chr19-49200659-G-A. GRCh37 (hg19) VCF-style: chr19-49703916-G-A.
Other names: c.2392G>A, p.Ala798Thr (NM_001195227.2); c.2482G>A, p.Ala828Thr (NM_001321281.2); c.1219G>A, p.Ala407Thr (NM_001321282.2); c.2305G>A, p.Ala769Thr (NM_001321283.2); c.1765G>A, p.Ala589Thr (NM_001321285.2); short protein forms A943T, A407T, A828T, A589T, A769T, A798T.
Identifiers: ClinVar variation 1796513 (VCV001796513.3), dbSNP rs2514203674, ClinGen allele CA406811769.

ClinVar aggregate classification (germline): Uncertain significance. Review status: criteria provided, multiple submitters, no conflicts (2 of 4 stars). 2 submissions from 2 submitters: Uncertain significance (2). Last evaluated 2023-04-06.

Conditions:
Cardiovascular phenotype. Identifiers: MedGen CN230736.

Submissions (2):

GeneDx
Classification: Uncertain significance. Last evaluated: 2023-04-06. Review status: criteria provided, single submitter. Criteria: GeneDx Variant Classification Process June 2021. Collection method: clinical testing. Allele origin: germline. Affected: yes.
Comment: Has not been previously published as pathogenic or benign to our knowledge; Not observed at significant frequency in large population cohorts (gnomAD); At the protein level, in silico analysis supports that this missense variant has a deleterious effect on protein structure/function; At the mRNA level, in silico analysis is inconclusive as to whether the variant alters gene splicing. In the absence of RNA/functional studies, the actual effect of this sequence change is unknown.

Ambry Genetics
Classification: Uncertain significance for Cardiovascular phenotype. Last evaluated: 2021-10-26. Review status: criteria provided, single submitter. Criteria: Ambry Variant Classification Scheme 2023. Collection method: clinical testing. Allele origin: germline.
Comment: The p.A943T variant (also known as c.2827G>A), located in coding exon 19 of the TRPM4 gene, results from a G to A substitution at nucleotide position 2827. The alanine at codon 943 is replaced by threonine, an amino acid with similar properties. This amino acid position is conserved. In addition, this alteration is predicted to be deleterious by in silico analysis. Since supporting evidence is limited at this time, the clinical significance of this alteration remains unclear.